The following is an entry in ClinVar:

NM_001023570.4(IQCB1):c.1568-2A>C

Gene: IQCB1 (IQ motif containing B1; minus strand). Cytogenetic location: 3q13.33.
Variant type: single nucleotide variant.
Coding change: c.1568-2A>C on transcript NM_001023570.4 (MANE Select); the canonical splice acceptor site of the intron before coding-DNA position 1568, A replaced by C.
Molecular consequence: splice acceptor variant.
Genome position (GRCh38, 1-based): chr3:121,770,576, T>G on the plus strand (A>C on the coding strand, the complement: IQCB1 is on the minus strand). VCF-style: chr3-121770576-T-G. GRCh37 (hg19) VCF-style: chr3-121489423-T-G.
Other names: c.1568-2A>C (NM_001319107.2); c.1169-2A>C (NM_001023571.4).
Identifiers: ClinVar variation 3341360 (VCV003341360.1).
Genomic context (GRCh38, chr3:121,770,576, plus strand): 5'-GGATCTACTTAGGAAGAGCTCAGGTTCTTTCCCTTCTGCCTCCTTCAGACTTGGTGCCTC[T>G]GTAGTGGACAGAAAATAAACAGATGAGCAGAAGAGTCCTATGCCAAGCAGGTAGGAACTT-3'

ClinVar aggregate classification (germline): Uncertain significance (1 of 4 stars; one submission).

Conditions:
Senior-Loken syndrome 5 (SLSN5). Identifiers: Orphanet 3156, MedGen C1836517, MONDO:0012225, OMIM 609254.

Submission:

Neuberg Centre For Genomic Medicine, NCGM
Classification: Uncertain significance for Senior-Loken syndrome 5. Last evaluated: 2023-05-20. Review status: criteria provided, single submitter. Criteria: ACMG Guidelines, 2015. Collection method: clinical testing. Allele origin: germline. Inheritance: Autosomal recessive inheritance. Affected: yes.
Comment: The observed invariant splice acceptor c.1568-2A>C has not been reported previously as a pathogenic variant nor as a benign variant, to our knowledge. The c.1568-2A>C variant is absent in gnomAD Exomes database. This variant has not been submitted to the ClinVar database. Splice AI predicts this variant to cause splice acceptor loss (0.97) and splice acceptor gain (0.42). However since this variant is present in the last exon, functional studies will be required to prove protein truncation. Hence the variant is classified as Variant of Uncertain Significance (VUS).